The following is an entry in ClinVar:

ClinVar aggregate classification (germline): Uncertain significance (1 of 4 stars; one submission).

Submission:

GeneDx
Classification: Uncertain significance. Last evaluated: 2023-02-06. Review status: criteria provided, single submitter. Criteria: GeneDx Variant Classification Process June 2021. Collection method: clinical testing. Allele origin: germline. Affected: yes.
Comment: Not observed at significant frequency in large population cohorts (gnomAD); In silico analysis supports that this missense variant has a deleterious effect on protein structure/function; This variant is associated with the following publications: (PMID: 30093605, 17582161)

NM_001009944.3(PKD1):c.11501T>G (p.Leu3834Arg)

Genes: PKD1 (polycystin 1, transient receptor potential channel interacting; minus strand), PKD1-AS1 (PKD1 antisense RNA 1; plus strand). Cytogenetic location: 16p13.3.
Variant type: single nucleotide variant.
Coding change: c.11501T>G on transcript NM_001009944.3 (MANE Select); coding-DNA position 11501, T replaced by G.
Protein change: p.Leu3834Arg; replaces leucine 3834 with arginine.
Molecular consequence: missense variant.
Genome position (GRCh38, 1-based): chr16:2,091,817, A>C on the plus strand (T>G on the coding strand, the complement: PKD1 is on the minus strand). VCF-style: chr16-2091817-A-C. GRCh37 (hg19) VCF-style: chr16-2141818-A-C.
Other names: c.11498T>G, p.Leu3833Arg (NM_000296.4); short protein forms L3833R, L3834R.
Identifiers: ClinVar variation 2428982 (VCV002428982.3), dbSNP rs2544620025, ClinGen allele CA394332660.